The following is an entry in ClinVar:

ClinVar aggregate classification (germline): Pathogenic (1 of 4 stars; one submission).

Conditions:
Glycogen storage disease, type IV (GSD4). Also called: AMYLOPECTINOSIS; ANDERSEN DISEASE; BRANCHER DEFICIENCY; CIRRHOSIS, FAMILIAL, WITH DEPOSITION OF ABNORMAL GLYCOGEN; GBE1 DEFICIENCY; GLYCOGEN BRANCHING ENZYME DEFICIENCY. Identifiers: Orphanet 367, MedGen C0017923, MONDO:0009292, OMIM 232500.
Glycogen storage disease IV, classic hepatic. Also called: GSD IV, CLASSIC HEPATIC. Identifiers: MedGen C1856301.

Submission:

Labcorp Genetics (formerly Invitae), Labcorp
Classification: Pathogenic for Glycogen storage disease, type IV; Glycogen storage disease IV, classic hepatic. Last evaluated: 2023-12-28. Review status: criteria provided, single submitter. Criteria: Invitae Variant Classification Sherloc (09022015). Collection method: clinical testing. Allele origin: germline.
Comment: This sequence change inserts a large fragment of DNA, likely a transposable element, in exon 8 of the GBE1 gene (c.999_1000ins?), causing a frameshift at codon 333 (p.Glu333_Val334insfs). The exact size and sequence of the insertion cannot be determined by the current assay. However, the insertion is expected to result in an absent or disrupted protein product. This variant is not present in population databases (gnomAD no frequency). This variant has not been reported in the literature in individuals affected with GBE1-related conditions. Retrotransposon insertions including LINE1 (L1), Alu, and SVA (SINE-VNTR-Alu) have been reported to be disease-causing through disruption of either a coding region or splice site (PMID: 19763152, 20307669, 22406018) and loss-of-function variants in GBE1 are known to be pathogenic (PMID: 15452297, 20058079). For these reasons, this variant has been classified as Pathogenic.

Literature cited by the submitters: PubMed 19763152; PubMed 20307669; PubMed 22406018; PubMed 15452297; PubMed 20058079.

NC_000003.12:g.81594024_81594025insGGGCCGGGCGCGGTGGCTCACGCCTGTAATCCCAGCACTTTGGGAGGCCGAGGCGGGCGGATCACGAGGTNNNNNNNNNNAAAAAAAAAAAAAAAAAAAATTCCCAGC

Gene: GBE1 (1,4-alpha-glucan branching enzyme 1; minus strand). Cytogenetic location: 3p12.2.
Variant type: Insertion.
Genome position: GRCh38: chr3:81,594,024-81,594,025. GRCh37 (hg19): chr3:81,643,175-81,643,176.
Identifiers: ClinVar variation 2921767 (VCV002921767.3), dbSNP rs2471744994.